The following is an entry in ClinVar:

NM_015474.4(SAMHD1):c.605C>T (p.Ala202Val)

Gene: SAMHD1 (SAM and HD domain containing deoxynucleoside triphosphate triphosphohydrolase 1; minus strand). Cytogenetic location: 20q11.23.
Variant type: single nucleotide variant.
Coding change: c.605C>T on transcript NM_015474.4 (MANE Select); coding-DNA position 605, C replaced by T.
Protein change: p.Ala202Val; replaces alanine 202 with valine.
Molecular consequence: missense variant.
Genome position (GRCh38, 1-based): chr20:36,930,780, G>A on the plus strand (C>T on the coding strand, the complement: SAMHD1 is on the minus strand). VCF-style: chr20-36930780-G-A. GRCh37 (hg19) VCF-style: chr20-35559183-G-A.
Other names: c.605C>T, p.Ala202Val (NM_001363729.2, NM_001363733.2); short protein forms A202V.
Identifiers: ClinVar variation 1380427 (VCV001380427.3), dbSNP rs1568776699, ClinGen allele CA408822044.

ClinVar aggregate classification (germline): Uncertain significance (1 of 4 stars; one submission).

Conditions:
Aicardi-Goutieres syndrome 5. Identifiers: Orphanet 51, MedGen C2749659, MONDO:0013059, OMIM 612952.

gnomAD v4.1: 8 of 1,612,902 alleles (0.0005%); highest among the groups gnomAD compares: Non-Finnish European, 0.00051%; no homozygotes.

Submission:

Labcorp Genetics (formerly Invitae), Labcorp
Classification: Uncertain significance for Aicardi-Goutieres syndrome 5. Last evaluated: 2021-09-09. Review status: criteria provided, single submitter. Criteria: Invitae Variant Classification Sherloc (09022015). Collection method: clinical testing. Allele origin: germline.
Comment: This sequence change replaces alanine with valine at codon 202 of the SAMHD1 protein (p.Ala202Val). The alanine residue is highly conserved and there is a small physicochemical difference between alanine and valine. This variant is not present in population databases (ExAC no frequency). This variant has not been reported in the literature in individuals affected with SAMHD1-related conditions. Algorithms developed to predict the effect of missense changes on protein structure and function are either unavailable or do not agree on the potential impact of this missense change (SIFT: "Deleterious"; PolyPhen-2: "Probably Damaging"; Align-GVGD: "Class C0"). In summary, the available evidence is currently insufficient to determine the role of this variant in disease. Therefore, it has been classified as a Variant of Uncertain Significance.